The following is an entry in ClinVar:

ClinVar aggregate classification (germline): Uncertain significance (1 of 4 stars; one submission).

Conditions:
Familial focal epilepsy with variable foci (FPEVF). Identifiers: Orphanet 98820, MedGen C1858477, MONDO:0020310.

Allele frequency attached by ClinVar (database versions not stated): gnomAD 0.00001; gnomAD exomes 0.00001 and 0.00003; TOPMed 0.00002; ExAC 0.00004.
gnomAD v4.1: 18 of 1,611,434 alleles (0.0011%); highest among the groups gnomAD compares: Middle Eastern, 0.017%; no homozygotes.

Submission:

Labcorp Genetics (formerly Invitae), Labcorp
Classification: Uncertain significance for Familial focal epilepsy with variable foci. Last evaluated: 2025-10-28. Review status: criteria provided, single submitter. Criteria: Invitae Variant Classification Sherloc (09022015). Collection method: clinical testing. Allele origin: germline.
Comment: This sequence change falls in intron 4 of the DEPDC5 gene. It does not directly change the encoded amino acid sequence of the DEPDC5 protein. It affects a nucleotide within the consensus splice site. This variant is present in population databases (rs749093030, gnomAD 0.008%). This variant has not been reported in the literature in individuals affected with DEPDC5-related conditions. ClinVar contains an entry for this variant (Variation ID: 941981). Variants that disrupt the consensus splice site are a relatively common cause of aberrant splicing (PMID: 17576681, 9536098). Algorithms developed to predict the effect of sequence changes on RNA splicing suggest that this variant is not likely to affect RNA splicing. In summary, the available evidence is currently insufficient to determine the role of this variant in disease. Therefore, it has been classified as a Variant of Uncertain Significance.

Literature cited by the submitters: PubMed 17576681; PubMed 9536098.

NM_001242896.3(DEPDC5):c.194-3T>C

Gene: DEPDC5 (DEP domain containing 5, GATOR1 subcomplex subunit; plus strand). Cytogenetic location: 22q12.2.
Variant type: single nucleotide variant.
Coding change: c.194-3T>C on transcript NM_001242896.3 (MANE Select); 3 bases into the intron before coding-DNA position 194, T replaced by C.
Molecular consequence: intron variant.
Genome position (GRCh38, 1-based): chr22:31,764,972, T>C. VCF-style: chr22-31764972-T-C. GRCh37 (hg19) VCF-style: chr22-32160958-T-C.
Other names: c.194-3T>C (NM_001363852.2, NM_001363854.2, NM_001242897.2 and 9 more transcripts).
Identifiers: ClinVar variation 941981 (VCV000941981.7), dbSNP rs749093030, ClinGen allele CA10195873.